The following is an entry in ClinVar:

ClinVar aggregate classification (germline): Uncertain significance (1 of 4 stars; one submission).

Submission:

Labcorp Genetics (formerly Invitae), Labcorp
Classification: Uncertain significance. Last evaluated: 2022-05-22. Review status: criteria provided, single submitter. Criteria: Invitae Variant Classification Sherloc (09022015). Collection method: clinical testing. Allele origin: germline.
Comment: This variant has not been reported in the literature in individuals affected with TBX20-related conditions. This variant is not present in population databases (gnomAD no frequency). This sequence change replaces glutamic acid, which is acidic and polar, with glutamine, which is neutral and polar, at codon 298 of the TBX20 protein (p.Glu298Gln). Algorithms developed to predict the effect of missense changes on protein structure and function (SIFT, PolyPhen-2, Align-GVGD) all suggest that this variant is likely to be tolerated. In summary, the available evidence is currently insufficient to determine the role of this variant in disease. Therefore, it has been classified as a Variant of Uncertain Significance.

NM_001077653.2(TBX20):c.892G>C (p.Glu298Gln)

Gene: TBX20 (T-box transcription factor 20; minus strand). Cytogenetic location: 7p14.2.
Variant type: single nucleotide variant.
Coding change: c.892G>C on transcript NM_001077653.2 (MANE Select); coding-DNA position 892, G replaced by C.
Protein change: p.Glu298Gln; replaces glutamic acid 298 with glutamine.
Molecular consequence: missense variant.
Genome position (GRCh38, 1-based): chr7:35,204,581, C>G on the plus strand (G>C on the coding strand, the complement: TBX20 is on the minus strand). VCF-style: chr7-35204581-C-G. GRCh37 (hg19) VCF-style: chr7-35244193-C-G.
Other names: short protein forms E298Q.
Identifiers: ClinVar variation 1997850 (VCV001997850.4), dbSNP rs768739120, ClinGen allele CA367263670.